The following is an entry in ClinVar:

NM_007294.4(BRCA1):c.5193+7A>G

Gene: BRCA1 (BRCA1 DNA repair associated; minus strand). Cytogenetic location: 17q21.31.
Variant type: single nucleotide variant.
Coding change: c.5193+7A>G on transcript NM_007294.4 (MANE Select); 7 bases into the intron after coding-DNA position 5193, A replaced by G.
Molecular consequence: intron variant.
Genome position (GRCh38, 1-based): chr17:43,063,326, T>C on the plus strand (A>G on the coding strand, the complement: BRCA1 is on the minus strand). VCF-style: chr17-43063326-T-C. GRCh37 (hg19) VCF-style: chr17-41215343-T-C.
Other names: c.4929+7A>G (NM_001407926.1, NM_001407924.1, NM_001407920.1 and 4 more transcripts); c.5046+7A>G (NM_001407851.1, NM_001407849.1, NM_001407845.1 and 12 more transcripts); c.5049+7A>G (NM_001407735.1, NM_001407744.1, NM_001407750.1 and 21 more transcripts); c.5052+7A>G (NM_001407729.1, NM_001407698.1, NM_001407942.1 and 13 more transcripts); c.4980+7A>G (NM_001407899.1, NM_001407895.1, NM_001407910.1 and 12 more transcripts); c.1554+7A>G (NM_001408507.1); c.1638+7A>G (NM_001408495.1); c.1755+7A>G (NM_001408448.1, NM_001408445.1, NM_001408450.1 and 2 more transcripts); and 72 more.
Identifiers: ClinVar variation 867465 (VCV000867465.3), dbSNP rs2051852538, ClinGen allele CA916080030.

Conditions:
Breast-ovarian cancer, familial, susceptibility to, 1 (BROVCA1). Also called: BRCA1 Hereditary Breast and Ovarian Cancer; OVARIAN CANCER, SUSCEPTIBILITY TO. Identifiers: Orphanet 145, MedGen C2676676, MONDO:0011450, OMIM 604370. Disease mechanism: loss of function.

Submission:

Brotman Baty Institute, University of Washington
No classification provided (evidence only). Condition: Breast-ovarian cancer, familial 1. Review status: no classification provided. Collection method: in vitro. Allele origin: not applicable. Functional consequence: functionally_normal.
ClinVar note: "not provided" was previously submitted as the classification for the variant. However, the classification appeared to be based only on an observation of functional data so it was converted to no classification on 2025-07-30.